The following is an entry in ClinVar:

ClinVar aggregate classification (germline): Uncertain significance. Review status: criteria provided, multiple submitters, no conflicts (2 of 4 stars). 2 submissions from 2 submitters: Uncertain significance (2). Last evaluated 2024-07-10.

Conditions:
Inborn genetic diseases. Identifiers: MedGen C0950123, MeSH D030342.
Combined immunodeficiency due to LRBA deficiency. Also called: Common variable immunodeficiency 8, with autoimmunity. Identifiers: Orphanet 445018, MedGen C3553512, MONDO:0013863, OMIM 614700.

Allele frequency attached by ClinVar (database versions not stated): ESP Exome Variant Server 0.00008; gnomAD exomes 0.00003; TOPMed 0.00003; ExAC 0.00004; gnomAD 0.00005 and 0.00006.
gnomAD v4.1: 59 of 1,613,412 alleles (0.0037%); highest among the groups gnomAD compares: Non-Finnish European, 0.0039%; no homozygotes.

Submissions (2):

Ambry Genetics
Classification: Uncertain significance for Inborn genetic diseases. Last evaluated: 2024-07-10. Review status: criteria provided, single submitter. Criteria: Ambry Variant Classification Scheme 2023. Collection method: clinical testing. Allele origin: germline.

Labcorp Genetics (formerly Invitae), Labcorp
Classification: Uncertain significance for Combined immunodeficiency due to LRBA deficiency. Last evaluated: 2022-06-09. Review status: criteria provided, single submitter. Criteria: Invitae Variant Classification Sherloc (09022015). Collection method: clinical testing. Allele origin: germline.
Comment: This sequence change replaces arginine, which is basic and polar, with lysine, which is basic and polar, at codon 2464 of the LRBA protein (p.Arg2464Lys). This variant is present in population databases (rs377302910, gnomAD 0.006%). This variant has not been reported in the literature in individuals affected with LRBA-related conditions. ClinVar contains an entry for this variant (Variation ID: 638922). Algorithms developed to predict the effect of missense changes on protein structure and function are either unavailable or do not agree on the potential impact of this missense change (SIFT: "Tolerated"; PolyPhen-2: "Probably Damaging"; Align-GVGD: "Class C0"). In summary, the available evidence is currently insufficient to determine the role of this variant in disease. Therefore, it has been classified as a Variant of Uncertain Significance.

NM_001364905.1(LRBA):c.7358G>A (p.Arg2453Lys)

Gene: LRBA (LPS responsive beige-like anchor protein; minus strand). Cytogenetic location: 4q31.3.
Variant type: single nucleotide variant.
Coding change: c.7358G>A on transcript NM_001364905.1 (MANE Select); coding-DNA position 7358, G replaced by A.
Protein change: p.Arg2453Lys; replaces arginine 2453 with lysine.
Molecular consequence: missense variant.
Genome position (GRCh38, 1-based): chr4:150,349,996, C>T on the plus strand (G>A on the coding strand, the complement: LRBA is on the minus strand). VCF-style: chr4-150349996-C-T. GRCh37 (hg19) VCF-style: chr4-151271148-C-T.
Other names: c.7358G>A, p.Arg2453Lys (NM_001199282.3, NM_001367550.1); c.7391G>A, p.Arg2464Lys (NM_006726.5); short protein forms R2453K, R2464K.
Identifiers: ClinVar variation 638922 (VCV000638922.7), dbSNP rs377302910, ClinGen allele CA3101680.
Genomic context (GRCh38, chr4:150,349,996, plus strand): 5'-CCTTCTAGTTTAAATATACCTGACTATAAGTTGCTTTCTCAATTCAGATAACTTACCTCT[C>T]TCAACACAGGATCAGTTATTGAATTCAGATTGACAGCTCCTTCATAGGTCAAGTAATAGA-3'
Protein context (NP_001351834.1, residues 2443-2463): NLNSITDPVL[Arg2453Lys]EAVEAQIRSF